The following is an entry in ClinVar:

ClinVar aggregate classification (germline): Uncertain significance. Review status: criteria provided, multiple submitters, no conflicts (2 of 4 stars). 3 submissions from 3 submitters: Uncertain significance (3). Last evaluated 2025-06-12.

Conditions:
Cardiomyopathy (CMYO). Also called: Cardiomyopathies. Identifiers: Orphanet 167848, MedGen C0878544, MONDO:0004994, HP:0001638. Inheritance: Various modes of inheritance.
Catecholaminergic polymorphic ventricular tachycardia 1. Also called: VENTRICULAR TACHYCARDIA, CATECHOLAMINERGIC POLYMORPHIC, 1, WITH OR WITHOUT ATRIAL DYSFUNCTION AND/OR DILATED CARDIOMYOPATHY; RYR2-Related Catecholaminergic Polymorphic Ventricular Tachycardia; VENTRICULAR TACHYCARDIA, STRESS-INDUCED POLYMORPHIC 1. Identifiers: Orphanet 3286, MedGen C1631597, MONDO:0011484, OMIM 604772.

Submissions (3):

Color Diagnostics, LLC DBA Color Health
Classification: Uncertain significance for Cardiomyopathy. Last evaluated: 2025-06-12. Review status: criteria provided, single submitter. Criteria: ACMG Guidelines, 2015. Collection method: clinical testing. Allele origin: germline.
Comment: This variant causes a G to T nucleotide substitution at the +5 position of intron 47 of the RYR2 gene. Splice site prediction tools suggest that this variant may have a significant impact on RNA splicing. To our knowledge, RNA studies have not been reported for this variant. This variant has not been reported in individuals affected with RYR2-related disorders in the literature. This variant has not been identified in the general population by the Genome Aggregation Database (gnomAD). Clinical relevance of loss-of-function RYR2 truncation and splice variants in autosomal dominant cardiovascular disorders is not clearly established. The available evidence is insufficient to determine the role of this variant in disease conclusively. Therefore, this variant is classified as a Variant of Uncertain Significance.

GeneDx
Classification: Uncertain significance. Last evaluated: 2024-05-28. Review status: criteria provided, single submitter. Criteria: GeneDx Variant Classification Process June 2021. Collection method: clinical testing. Allele origin: germline.
Comment: Not observed at significant frequency in large population cohorts (gnomAD); In silico analysis supports a deleterious effect on splicing; Has not been previously published as pathogenic or benign to our knowledge

Labcorp Genetics (formerly Invitae), Labcorp
Classification: Uncertain significance for Catecholaminergic polymorphic ventricular tachycardia 1. Last evaluated: 2019-09-30. Review status: criteria provided, single submitter. Criteria: Invitae Variant Classification Sherloc (09022015). Collection method: clinical testing. Allele origin: germline.
Comment: Nucleotide substitutions within the consensus splice site are a relatively common cause of aberrant splicing (PMID: 17576681, 9536098). Algorithms developed to predict the effect of sequence changes on RNA splicing suggest that this variant may disrupt the consensus splice site, but this prediction has not been confirmed by published transcriptional studies. In summary, the available evidence is currently insufficient to determine the role of this variant in disease. Therefore, it has been classified as a Variant of Uncertain Significance. This variant has not been reported in the literature in individuals with RYR2-related conditions. ClinVar contains an entry for this variant (Variation ID: 404213). This variant is not present in population databases (ExAC no frequency). This sequence change falls in intron 47 of the RYR2 gene. It does not directly change the encoded amino acid sequence of the RYR2 protein, but it affects a nucleotide within the consensus splice site of the intron.

Literature cited by the submitters: PubMed 17576681 (cited by Labcorp Genetics (formerly Invitae), Labcorp); PubMed 9536098 (cited by Labcorp Genetics (formerly Invitae), Labcorp).

NM_001035.3(RYR2):c.7221+5G>T

Gene: RYR2 (ryanodine receptor 2; plus strand). Cytogenetic location: 1q43.
Variant type: single nucleotide variant.
Coding change: c.7221+5G>T on transcript NM_001035.3 (MANE Select); 5 bases into the intron after coding-DNA position 7221, G replaced by T.
Molecular consequence: intron variant.
Genome position (GRCh38, 1-based): chr1:237,641,007, G>T. VCF-style: chr1-237641007-G-T. GRCh37 (hg19) VCF-style: chr1-237804307-G-T.
Other names: c.7221+5G>T (LRG_402t1).
Identifiers: ClinVar variation 404213 (VCV000404213.12), dbSNP rs1060500153, ClinGen allele CA16610005.